The following is an entry in ClinVar:

NM_001122752.2(SERPINI1):c.446A>C (p.Asn149Thr)

Gene: SERPINI1 (serpin family I member 1; plus strand). Cytogenetic location: 3q26.1.
Variant type: single nucleotide variant.
Coding change: c.446A>C on transcript NM_001122752.2 (MANE Select); coding-DNA position 446, A replaced by C.
Protein change: p.Asn149Thr; replaces asparagine 149 with threonine.
Molecular consequence: missense variant.
Genome position (GRCh38, 1-based): chr3:167,790,567, A>C. VCF-style: chr3-167790567-A-C. GRCh37 (hg19) VCF-style: chr3-167508355-A-C.
Other names: c.446A>C, p.Asn149Thr (NM_005025.5); short protein forms N149T.
Identifiers: ClinVar variation 2041531 (VCV002041531.4), dbSNP rs779736255, ClinGen allele CA2694801.
Genomic context (GRCh38, chr3:167,790,567, plus strand): 5'-AAAAATATTTTAATGCAGCAGTAAATCATGTGGACTTCAGTCAAAATGTAGCCGTGGCCA[A>C]CTACATCAATAAGTGGGTGGAGAATAACACAAACAGTATGTCACTTGGTTCCTTTCTTCC-3'
Protein context (NP_001116224.1, residues 139-159): VDFSQNVAVA[Asn149Thr]YINKWVENNT

ClinVar aggregate classification (germline): Uncertain significance (1 of 4 stars; one submission).

Conditions:
Familial encephalopathy with neuroserpin inclusion bodies. Also called: ENCEPHALOPATHY, FAMILIAL, WITH COLLINS BODIES. Identifiers: Orphanet 85110, MedGen C1858680, MONDO:0011412, OMIM 604218.

Allele frequency attached by ClinVar (database versions not stated): ExAC 0.00001; gnomAD exomes 0.00001.
gnomAD v4.1: 8 of 1,613,858 alleles (0.0005%); highest among the groups gnomAD compares: African/African-American, 0.0013%; no homozygotes.

Submission:

Labcorp Genetics (formerly Invitae), Labcorp
Classification: Uncertain significance for Familial encephalopathy with neuroserpin inclusion bodies. Last evaluated: 2023-08-27. Review status: criteria provided, single submitter. Criteria: Invitae Variant Classification Sherloc (09022015). Collection method: clinical testing. Allele origin: germline.
Comment: In summary, the available evidence is currently insufficient to determine the role of this variant in disease. Therefore, it has been classified as a Variant of Uncertain Significance. Advanced modeling of protein sequence and biophysical properties (such as structural, functional, and spatial information, amino acid conservation, physicochemical variation, residue mobility, and thermodynamic stability) performed at Invitae indicates that this missense variant is not expected to disrupt SERPINI1 protein function. ClinVar contains an entry for this variant (Variation ID: 2041531). This variant has not been reported in the literature in individuals affected with SERPINI1-related conditions. This variant is present in population databases (rs779736255, gnomAD 0.002%). This sequence change replaces asparagine, which is neutral and polar, with threonine, which is neutral and polar, at codon 149 of the SERPINI1 protein (p.Asn149Thr).